The following is an entry in ClinVar:

ClinVar aggregate classification (germline): Uncertain significance. Review status: criteria provided, multiple submitters, no conflicts (2 of 4 stars). 2 submissions from 2 submitters: Uncertain significance (2). Last evaluated 2025-09-06.

Allele frequency attached by ClinVar (database versions not stated): TOPMed 0.00004; gnomAD exomes 0.00004; gnomAD 0.00003; ExAC 0.00013.
gnomAD v4.1: 87 of 1,532,264 alleles (0.0057%); highest among the groups gnomAD compares: Admixed American, 0.014%; no homozygotes.

Submissions (2):

GeneDx
Classification: Uncertain significance. Last evaluated: 2025-09-06. Review status: criteria provided, single submitter. Criteria: GeneDx Variant Classification Process June 2021. Collection method: clinical testing. Allele origin: germline. Affected: yes.
Comment: In silico analysis suggests that this missense variant does not alter protein structure/function; Has not been previously published as pathogenic or benign to our knowledge

Labcorp Genetics (formerly Invitae), Labcorp
Classification: Uncertain significance. Last evaluated: 2022-10-13. Review status: criteria provided, single submitter. Criteria: Invitae Variant Classification Sherloc (09022015). Collection method: clinical testing. Allele origin: germline.
Comment: This sequence change replaces valine, which is neutral and non-polar, with methionine, which is neutral and non-polar, at codon 569 of the FAM20C protein (p.Val569Met). This variant is present in population databases (rs761899411, gnomAD 0.008%). This variant has not been reported in the literature in individuals affected with FAM20C-related conditions. ClinVar contains an entry for this variant (Variation ID: 423431). Advanced modeling of protein sequence and biophysical properties (such as structural, functional, and spatial information, amino acid conservation, physicochemical variation, residue mobility, and thermodynamic stability) has been performed at Invitae for this missense variant, however the output from this modeling did not meet the statistical confidence thresholds required to predict the impact of this variant on FAM20C protein function. In summary, the available evidence is currently insufficient to determine the role of this variant in disease. Therefore, it has been classified as a Variant of Uncertain Significance.

NM_020223.4(FAM20C):c.1705G>A (p.Val569Met)

Gene: FAM20C (FAM20C golgi associated secretory pathway kinase; plus strand). Cytogenetic location: 7p22.3.
Variant type: single nucleotide variant.
Coding change: c.1705G>A on transcript NM_020223.4 (MANE Select); coding-DNA position 1705, G replaced by A.
Protein change: p.Val569Met; replaces valine 569 with methionine.
Molecular consequence: missense variant.
Genome position (GRCh38, 1-based): chr7:259,930, G>A. VCF-style: chr7-259930-G-A. GRCh37 (hg19) VCF-style: chr7-299896-G-A.
Other names: short protein forms V569M.
Identifiers: ClinVar variation 423431 (VCV000423431.6), dbSNP rs761899411, ClinGen allele CA4109226.